The following is an entry in ClinVar:

NM_001267550.2(TTN):c.77618C>G (p.Ala25873Gly)

Genes: TTN-AS1 (TTN antisense RNA 1; plus strand), TTN (titin; minus strand). Cytogenetic location: 2q31.2.
Variant type: single nucleotide variant.
Coding change: c.77618C>G on transcript NM_001267550.2 (MANE Select); coding-DNA position 77618, C replaced by G.
Protein change: p.Ala25873Gly; replaces alanine 25873 with glycine.
Molecular consequence: missense variant.
Genome position (GRCh38, 1-based): chr2:178,568,514, G>C on the plus strand (C>G on the coding strand, the complement: TTN is on the minus strand). VCF-style: chr2-178568514-G-C. GRCh37 (hg19) VCF-style: chr2-179433241-G-C.
Other names: p.A24232G:GCC>GGC; c.72695C>G, p.Ala24232Gly (NM_001256850.1); c.50423C>G, p.Ala16808Gly (NM_003319.4); c.69914C>G, p.Ala23305Gly (NM_133378.4); c.50798C>G, p.Ala16933Gly (NM_133432.3); c.50999C>G, p.Ala17000Gly (NM_133437.4); short protein forms A24232G, A25873G, A16933G, A17000G, A16808G, A23305G.
Identifiers: ClinVar variation 202881 (VCV000202881.2), dbSNP rs751402631, ClinGen allele CA310575.

ClinVar aggregate classification (germline): Uncertain significance (1 of 4 stars; one submission).

gnomAD v4.1: 3 of 1,613,362 alleles (0.00019%); highest among the groups gnomAD compares: Admixed American, 0.005%; no homozygotes.

Submission:

GeneDx
Classification: Uncertain significance. Last evaluated: 2014-09-04. Review status: criteria provided, single submitter. Criteria: GeneDx Variant Classification (06012015). Collection method: clinical testing. Allele origin: germline. Affected: yes.
Comment: Missense variants in the TTN gene are considered 'unclassified' if they are not previously reported in the literature and do not have >1% frequency in the population to be considered a polymorphism. Research indicates that truncating mutations in the TTN gene are expected to account for approximately 25% of familial and 18% of sporadic idiopathic DCM; however, truncating variants in the TTN gene have been reported in approximately 3% of reported control alleles. There has been little investigation into non-truncating variants. (Herman D et al. Truncations of titin causing dilated cardiomyopathy. N Eng J Med 366:619-628, 2012) The variant is found in CARDIOMYOPATHY panel(s).